The following is an entry in ClinVar:

NM_138425.4(C12orf57):c.78G>A (p.Ala26=)

Gene: C12orf57 (chromosome 12 open reading frame 57; plus strand). Cytogenetic location: 12p13.31.
Variant type: single nucleotide variant.
Coding change: c.78G>A on transcript NM_138425.4 (MANE Select); coding-DNA position 78, G replaced by A.
Protein change: p.Ala26=; no amino-acid change (alanine 26 retained).
Molecular consequence: synonymous variant. On other transcripts: 5 prime UTR variant (1), non-coding transcript variant (1).
Genome position (GRCh38, 1-based): chr12:6,944,501, G>A. VCF-style: chr12-6944501-G-A. GRCh37 (hg19) VCF-style: chr12-7053664-G-A.
Other names: c.78G>A, p.Ala26= (NM_001301834.1, NM_001301837.2); c.39G>A, p.Ala13= (NM_001301836.2); c.-28G>A (NM_001301838.2).
Identifiers: ClinVar variation 4874081 (VCV004874081.2).

ClinVar aggregate classification (germline): Likely benign (1 of 4 stars; one submission).

Submission:

CeGaT Center for Human Genetics Tuebingen
Classification: Likely benign. Last evaluated: 2026-04-01. Review status: criteria provided, single submitter. Criteria: CeGaT Center For Human Genetics Tuebingen Variant Classification Criteria Version 2. Collection method: clinical testing. Allele origin: germline. Affected: yes. Observed: 1 variant allele.
Comment: C12orf57: PM2:Supporting, BP4, BP7